The following is an entry in ClinVar:

NM_001271.4(CHD2):c.362G>T (p.Arg121Leu)

Gene: CHD2 (chromodomain helicase DNA binding protein 2; plus strand). Cytogenetic location: 15q26.1.
Variant type: single nucleotide variant.
Coding change: c.362G>T on transcript NM_001271.4 (MANE Select); coding-DNA position 362, G replaced by T.
Protein change: p.Arg121Leu; replaces arginine 121 with leucine.
Molecular consequence: missense variant.
Genome position (GRCh38, 1-based): chr15:92,927,311, G>T. VCF-style: chr15-92927311-G-T. GRCh37 (hg19) VCF-style: chr15-93470541-G-T.
Other names: c.362G>T, p.Arg121Leu (NM_001042572.3); short protein forms R121L.
Identifiers: ClinVar variation 421719 (VCV000421719.11), dbSNP rs1064795319, ClinGen allele CA16620038.

ClinVar aggregate classification (germline): Uncertain significance. Review status: criteria provided, multiple submitters, no conflicts (2 of 4 stars). 2 submissions from 2 submitters: Uncertain significance (2). Last evaluated 2020-05-26.

Conditions:
Developmental and epileptic encephalopathy 94 (DEE94). Also called: Epileptic encephalopathy, childhood-onset; CHD2-Related Neurodevelopmental Disorders. Identifiers: Orphanet 1942, Orphanet 2382, MedGen C3809278, MONDO:0014150, OMIM 615369.

Allele frequency attached by ClinVar (database versions not stated): TOPMed below 0.00001.

Submissions (2):

Labcorp Genetics (formerly Invitae), Labcorp
Classification: Uncertain significance for Developmental and epileptic encephalopathy 94. Last evaluated: 2020-05-26. Review status: criteria provided, single submitter. Criteria: Invitae Variant Classification Sherloc (09022015). Collection method: clinical testing. Allele origin: germline.
Comment: In summary, the available evidence is currently insufficient to determine the role of this variant in disease. Therefore, it has been classified as a Variant of Uncertain Significance. Algorithms developed to predict the effect of missense changes on protein structure and function (SIFT, PolyPhen-2, Align-GVGD) all suggest that this variant is likely to be disruptive, but these predictions have not been confirmed by published functional studies and their clinical significance is uncertain. This variant has not been reported in the literature in individuals with CHD2-related conditions. ClinVar contains an entry for this variant (Variation ID: 421719). This variant is not present in population databases (ExAC no frequency). This sequence change replaces arginine with leucine at codon 121 of the CHD2 protein (p.Arg121Leu). The arginine residue is highly conserved and there is a moderate physicochemical difference between arginine and leucine.

GeneDx
Classification: Uncertain significance. Last evaluated: 2016-07-21. Review status: criteria provided, single submitter. Criteria: GeneDx Variant Classification (06012015). Collection method: clinical testing. Allele origin: germline. Affected: yes.
Comment: A variant of uncertain significance has been identified in the CHD2 gene. The R121L variant has not been published as a pathogenic variant, nor has it been reported as a benign variant to our knowledge. It was not observed in approximately 6,500 individuals of European and African American ancestry in the NHLBI Exome Sequencing Project, indicating it is not a common benign variant in these populations. The R121L variant is a non-conservative amino acid substitution, which is likely to impact secondary protein structure as these residues differ in polarity, charge, size and/or other properties. This substitution occurs at a position that is conserved across species, and in silico analysis predicts this variant is probably damaging to the protein structure/function. However, missense variants in nearby residues have not been reported in the Human Gene Mutation Database in association with CHD2-related disorder (Stenson et al., 2014). Therefore, based on the currently available information, it is unclear whether this variant is a pathogenic variant or a rare benign variant.